The following is an entry in ClinVar:

ClinVar aggregate classification (germline): Uncertain significance (1 of 4 stars; one submission).

Conditions:
Cardiovascular phenotype. Identifiers: MedGen CN230736.

Submission:

Ambry Genetics
Classification: Uncertain significance for Cardiovascular phenotype. Last evaluated: 2023-08-13. Review status: criteria provided, single submitter. Criteria: Ambry Variant Classification Scheme 2023. Collection method: clinical testing. Allele origin: germline.
Comment: The p.R2421L variant (also known as c.7262G>T), located in coding exon 2 of the ZNF469 gene, results from a G to T substitution at nucleotide position 7262. The arginine at codon 2421 is replaced by leucine, an amino acid with dissimilar properties. This amino acid position is conserved. In addition, this alteration is predicted to be tolerated by in silico analysis. Since supporting evidence is limited at this time, the clinical significance of this alteration remains unclear.

NM_001367624.2(ZNF469):c.7346G>T (p.Arg2449Leu)

Gene: ZNF469 (zinc finger protein 469; plus strand). Cytogenetic location: 16q24.2.
Variant type: single nucleotide variant.
Coding change: c.7346G>T on transcript NM_001367624.2 (MANE Select); coding-DNA position 7346, G replaced by T.
Protein change: p.Arg2449Leu; replaces arginine 2449 with leucine.
Molecular consequence: missense variant.
Genome position (GRCh38, 1-based): chr16:88,434,816, G>T. VCF-style: chr16-88434816-G-T. GRCh37 (hg19) VCF-style: chr16-88501224-G-T.
Other names: NM_001127464.1:c.7262G>T; short protein forms R2449L.
Identifiers: ClinVar variation 2626133 (VCV002626133.2), dbSNP rs549934027, ClinGen allele CA397109646.
Genomic context (GRCh38, chr16:88,434,816, plus strand): 5'-CCTCCCACCAGACTCCCCAGGGGGACCCCCTCGGCCCCCAAGACCTCAAACAGAGGTCCC[G>T]TGGCTATAAAAAGAAGCCTGCATCTACAGAGAACGGCCAGTGGAAGGGCCAAGCTCCACA-3'
Protein context (NP_001354553.1, residues 2439-2459): LGPQDLKQRS[Arg2449Leu]GYKKKPASTE